The following is an entry in ClinVar:

NM_001376.5(DYNC1H1):c.6517G>A (p.Gly2173Ser)

Gene: DYNC1H1 (dynein cytoplasmic 1 heavy chain 1; plus strand). Cytogenetic location: 14q32.31.
Variant type: single nucleotide variant.
Coding change: c.6517G>A on transcript NM_001376.5 (MANE Select); coding-DNA position 6517, G replaced by A.
Protein change: p.Gly2173Ser; replaces glycine 2173 with serine.
Molecular consequence: missense variant.
Genome position (GRCh38, 1-based): chr14:102,010,851, G>A. VCF-style: chr14-102010851-G-A. GRCh37 (hg19) VCF-style: chr14-102477188-G-A.
Other names: short protein forms G2173S.
Identifiers: ClinVar variation 1361068 (VCV001361068.8), dbSNP rs2152578197, ClinGen allele CA391055759.

ClinVar aggregate classification (germline): Uncertain significance (1 of 4 stars; one submission).

Conditions:
Charcot-Marie-Tooth disease axonal type 2O. Also called: Charcot-Marie-Tooth Neuropathy Type 2O; Charcot-Marie-Tooth disease, axonal, type 20; CHARCOT-MARIE-TOOTH NEUROPATHY, AXONAL, TYPE 2O; CHARCOT-MARIE-TOOTH DISEASE, AXONAL, AUTOSOMAL DOMINANT, TYPE 2O. Identifiers: Orphanet 284232, MedGen C3280220, MONDO:0013644, OMIM 614228.

Submission:

Labcorp Genetics (formerly Invitae), Labcorp
Classification: Uncertain significance for Charcot-Marie-Tooth disease axonal type 2O. Last evaluated: 2022-06-20. Review status: criteria provided, single submitter. Criteria: Invitae Variant Classification Sherloc (09022015). Collection method: clinical testing. Allele origin: germline.
Comment: In summary, the available evidence is currently insufficient to determine the role of this variant in disease. Therefore, it has been classified as a Variant of Uncertain Significance. This sequence change replaces glycine, which is neutral and non-polar, with serine, which is neutral and polar, at codon 2173 of the DYNC1H1 protein (p.Gly2173Ser). This variant is not present in population databases (gnomAD no frequency). This variant has not been reported in the literature in individuals affected with DYNC1H1-related conditions. Advanced modeling of protein sequence and biophysical properties (such as structural, functional, and spatial information, amino acid conservation, physicochemical variation, residue mobility, and thermodynamic stability) performed at Invitae indicates that this missense variant is not expected to disrupt DYNC1H1 protein function.